The following is an entry in ClinVar:

ClinVar aggregate classification (germline): Uncertain significance. Review status: criteria provided, multiple submitters, no conflicts (2 of 4 stars). 2 submissions from 2 submitters: Uncertain significance (2). Last evaluated 2024-02-22.

Conditions:
Multiple endocrine neoplasia, type 2 (MEN2). Identifiers: Orphanet 653, MedGen C4048306, MONDO:0019003. Disease mechanism: gain of function.
Hereditary cancer-predisposing syndrome. Also called: Tumor predisposition; Hereditary neoplastic syndrome; Neoplastic Syndromes, Hereditary; Hereditary Cancer Syndrome. Identifiers: Orphanet 140162, MedGen C0027672, MeSH D009386, MONDO:0015356.

Allele frequency attached by ClinVar (database versions not stated): gnomAD exomes 0.00001.
gnomAD v4.1: 4 of 1,584,014 alleles (0.00025%); highest among the groups gnomAD compares: Non-Finnish European, 0.00034%; no homozygotes.

Submissions (2):

Labcorp Genetics (formerly Invitae), Labcorp
Classification: Uncertain significance for Multiple endocrine neoplasia, type 2. Last evaluated: 2024-02-22. Review status: criteria provided, single submitter. Criteria: Invitae Variant Classification Sherloc (09022015). Collection method: clinical testing. Allele origin: germline.
Comment: This sequence change replaces glutamic acid, which is acidic and polar, with glutamine, which is neutral and polar, at codon 530 of the RET protein (p.Glu530Gln). This variant is present in population databases (no rsID available, gnomAD 0.001%). This variant has not been reported in the literature in individuals affected with RET-related conditions. ClinVar contains an entry for this variant (Variation ID: 856007). An algorithm developed to predict the effect of missense changes on protein structure and function (PolyPhen-2) suggests that this variant is likely to be disruptive. In summary, the available evidence is currently insufficient to determine the role of this variant in disease. Therefore, it has been classified as a Variant of Uncertain Significance.

Ambry Genetics
Classification: Uncertain significance for Hereditary cancer-predisposing syndrome. Last evaluated: 2023-03-12. Review status: criteria provided, single submitter. Criteria: Ambry Variant Classification Scheme 2023. Collection method: clinical testing. Allele origin: germline.
Comment: The p.E530Q variant (also known as c.1588G>C), located in coding exon 8 of the RET gene, results from a G to C substitution at nucleotide position 1588. The glutamic acid at codon 530 is replaced by glutamine, an amino acid with highly similar properties. This amino acid position is conserved. In addition, the in silico prediction for this alteration is inconclusive. Since supporting evidence is limited at this time, the clinical significance of this alteration remains unclear.

NM_020975.6(RET):c.1588G>C (p.Glu530Gln)

Gene: RET (ret proto-oncogene; plus strand). Cytogenetic location: 10q11.21.
Variant type: single nucleotide variant.
Coding change: c.1588G>C on transcript NM_020975.6 (MANE Select); coding-DNA position 1588, G replaced by C.
Protein change: p.Glu530Gln; replaces glutamic acid 530 with glutamine.
Molecular consequence: missense variant.
Genome position (GRCh38, 1-based): chr10:43,112,164, G>C. VCF-style: chr10-43112164-G-C. GRCh37 (hg19) VCF-style: chr10-43607612-G-C.
Other names: c.1588G>C, p.Glu530Gln (NM_000323.2, NM_001406743.1, NM_001406744.1 and 6 more transcripts); c.826G>C, p.Glu276Gln (NM_001355216.2); c.1459G>C, p.Glu487Gln (NM_001406761.1, NM_001406762.1, NM_001406764.1 and 1 more transcripts); c.1300G>C, p.Glu434Gln (NM_001406766.1, NM_001406767.1, NM_001406770.1); c.1192G>C, p.Glu398Gln (NM_001406769.1, NM_001406772.1); c.1150G>C, p.Glu384Gln (NM_001406771.1, NM_001406773.1); c.1063G>C, p.Glu355Gln (NM_001406774.1); c.862G>C, p.Glu288Gln (NM_001406775.1, NM_001406776.1, NM_001406777.1 and 1 more transcripts); and 5 more; short protein forms E276Q, E530Q, E188Q, E135Q, E231Q, E434Q, E288Q, E47Q.
Identifiers: ClinVar variation 856007 (VCV000856007.12), dbSNP rs1372959588, ClinGen allele CA376550551.
Genomic context (GRCh38, chr10:43,112,164, plus strand): 5'-GCCGAGGAGGCGGGCTGCCCCCTGTCCTGTGCAGTCAGCAAGAGACGGCTGGAGTGTGAG[G>C]AGTGTGGCGGCCTGGGCTCCCCAACAGGCAGGTGTGAGTGGAGGCAAGGAGATGGCAAAG-3'
Protein context (NP_066124.1, residues 520-540): AVSKRRLECE[Glu530Gln]CGGLGSPTGR